The following is an entry in ClinVar:

NM_004655.4(AXIN2):c.2237+2T>A

Gene: AXIN2 (axin 2; minus strand). Cytogenetic location: 17q24.1.
Variant type: single nucleotide variant.
Coding change: c.2237+2T>A on transcript NM_004655.4 (MANE Select); the canonical splice donor site of the intron after coding-DNA position 2237, T replaced by A.
Molecular consequence: splice donor variant.
Genome position (GRCh38, 1-based): chr17:65,535,624, A>T on the plus strand (T>A on the coding strand, the complement: AXIN2 is on the minus strand). VCF-style: chr17-65535624-A-T. GRCh37 (hg19) VCF-style: chr17-63531742-A-T.
Other names: c.2042+2T>A (NM_001363813.1).
Identifiers: ClinVar variation 1788203 (VCV001788203.4), dbSNP rs2509396464, ClinGen allele CA400675690.

ClinVar aggregate classification (germline): Conflicting classifications of pathogenicity. Review status: criteria provided, conflicting classifications (1 of 4 stars). 2 submissions from 2 submitters: Likely pathogenic (1); Uncertain significance (1). Last evaluated 2024-07-25.

Conditions:
Hereditary cancer-predisposing syndrome. Also called: Neoplastic Syndromes, Hereditary; Tumor predisposition; Hereditary Cancer Syndrome; Hereditary neoplastic syndrome. Identifiers: Orphanet 140162, MedGen C0027672, MeSH D009386, MONDO:0015356.
Oligodontia-cancer predisposition syndrome. Also called: TOOTH AGENESIS-COLORECTAL CANCER SYNDROME. Identifiers: Orphanet 300576, MedGen C1837750, MONDO:0012075, OMIM 608615. Disease mechanism: loss of function.

Submissions (2):

Labcorp Genetics (formerly Invitae), Labcorp
Classification: Likely pathogenic for Oligodontia-cancer predisposition syndrome. Last evaluated: 2024-07-25. Review status: criteria provided, single submitter. Criteria: Invitae Variant Classification Sherloc (09022015). Collection method: clinical testing. Allele origin: germline.
Comment: This sequence change affects a donor splice site in intron 9 of the AXIN2 gene. It is expected to disrupt RNA splicing. Variants that disrupt the donor or acceptor splice site typically lead to a loss of protein function (PMID: 16199547), and loss-of-function variants in AXIN2 are known to be pathogenic (PMID: 15042511, 21416598). This variant is not present in population databases (gnomAD no frequency). This variant has not been reported in the literature in individuals affected with AXIN2-related conditions. ClinVar contains an entry for this variant (Variation ID: 1788203). Algorithms developed to predict the effect of sequence changes on RNA splicing suggest that this variant may disrupt the consensus splice site. In summary, the currently available evidence indicates that the variant is pathogenic, but additional data are needed to prove that conclusively. Therefore, this variant has been classified as Likely Pathogenic.

Ambry Genetics
Classification: Uncertain significance for Hereditary cancer-predisposing syndrome. Last evaluated: 2020-09-25. Review status: criteria provided, single submitter. Criteria: Ambry Variant Classification Scheme 2023. Collection method: clinical testing. Allele origin: germline.
Comment: The c.2237+2T>A intronic variant results from a T to A substitution two nucleotides after coding exon 8 in the AXIN2 gene. The resulting transcript is predicted to be in-frame and is not expected to trigger nonsense-mediated mRNA decay; however, direct evidence is unavailable. This nucleotide position is highly conserved in available vertebrate species. In silico splice site analysis predicts that this alteration will weaken the native splice donor site. The exact functional effect of the missing amino acids is unknown. Since supporting evidence is limited at this time, the clinical significance of this alteration remains unclear.

Literature cited by the submitters: PubMed 16199547 (cited by Labcorp Genetics (formerly Invitae), Labcorp); PubMed 15042511 (cited by Labcorp Genetics (formerly Invitae), Labcorp); PubMed 21416598 (cited by Labcorp Genetics (formerly Invitae), Labcorp).